The following is an entry in ClinVar:

NM_007194.4(CHEK2):c.673A>C (p.Thr225Pro)

Gene: CHEK2 (checkpoint kinase 2; minus strand). Cytogenetic location: 22q12.1.
Variant type: single nucleotide variant.
Coding change: c.673A>C on transcript NM_007194.4 (MANE Select); coding-DNA position 673, A replaced by C.
Protein change: p.Thr225Pro; replaces threonine 225 with proline.
Molecular consequence: missense variant. On other transcripts: intron variant (1).
Genome position (GRCh38, 1-based): chr22:28,719,405, T>G on the plus strand (A>C on the coding strand, the complement: CHEK2 is on the minus strand). VCF-style: chr22-28719405-T-G. GRCh37 (hg19) VCF-style: chr22-29115393-T-G.
Other names: c.802A>C, p.Thr268Pro (NM_001005735.3, NM_001438294.1); c.10A>C, p.Thr4Pro (NM_001257387.3, NM_001437942.1); c.766A>C, p.Thr256Pro (NM_001438293.1, NM_001438295.1); c.673A>C, p.Thr225Pro (NM_145862.3); c.482+5481A>C (NM_001349956.3); short protein forms T225P, T268P, T4P, T256P.
Identifiers: ClinVar variation 479560 (VCV000479560.16), dbSNP rs1555924390, ClinGen allele CA411104868.
Genomic context (GRCh38, chr22:28,719,405, plus strand): 5'-CAAATGTATAGTGAAAAAATTAAGTGCATTTATATAAGAAAATAATTTACCTTCCAAGAG[T>G]TTTTGACATGATGTATTCATCTCTTAATGCCTTAGGATAAACTGACTGATCATCTACAGT-3'
Protein context (NP_009125.1, residues 215-235): ALRDEYIMSK[Thr225Pro]LGSGACGEVK

ClinVar aggregate classification (germline): Uncertain significance. Review status: criteria provided, multiple submitters, no conflicts (2 of 4 stars). 4 submissions from 4 submitters: Uncertain significance (4). Last evaluated 2026-05-11.

Conditions:
Hereditary cancer-predisposing syndrome. Also called: Neoplastic Syndromes, Hereditary; Hereditary neoplastic syndrome; Hereditary Cancer Syndrome; Tumor predisposition. Identifiers: Orphanet 140162, MedGen C0027672, MeSH D009386, MONDO:0015356.
Familial cancer of breast. Also called: hereditary breast carcinoma; BREAST CANCER, FAMILIAL; Hereditary breast cancer. Identifiers: Orphanet 227535, MedGen C0346153, MONDO:0016419, OMIM 114480. Disease mechanism: loss of function.

gnomAD v4.1: 1 of 1,578,128 alleles (0.000063%); highest among the groups gnomAD compares: Non-Finnish European, 0.000086%; no homozygotes.

Submissions (4):

Women's Health and Genetics/Laboratory Corporation of America, LabCorp
Classification: Uncertain significance. Last evaluated: 2026-05-11. Review status: criteria provided, single submitter. Criteria: LabCorp Variant Classification Summary - May 2015. Collection method: clinical testing. Allele origin: germline.

GeneDx
Classification: Uncertain significance. Last evaluated: 2024-05-19. Review status: criteria provided, single submitter. Criteria: GeneDx Variant Classification Process June 2021. Collection method: clinical testing. Allele origin: germline. Affected: yes.
Comment: Not observed at significant frequency in large population cohorts (gnomAD); In silico analysis indicates that this missense variant does not alter protein structure/function; Has not been previously published as pathogenic or benign to our knowledge; This variant is associated with the following publications: (PMID: 21985771, 22419737, 19782031)

Ambry Genetics
Classification: Uncertain significance for Hereditary cancer-predisposing syndrome. Last evaluated: 2024-02-25. Review status: criteria provided, single submitter. Criteria: Ambry Variant Classification Scheme 2023. Collection method: clinical testing. Allele origin: germline.
Comment: The p.T225P variant (also known as c.673A>C), located in coding exon 4 of the CHEK2 gene, results from an A to C substitution at nucleotide position 673. The threonine at codon 225 is replaced by proline, an amino acid with highly similar properties. This amino acid position is well conserved in available vertebrate species. In addition, the in silico prediction for this alteration is inconclusive. Since supporting evidence is limited at this time, the clinical significance of this alteration remains unclear.

Labcorp Genetics (formerly Invitae), Labcorp
Classification: Uncertain significance for Familial cancer of breast. Last evaluated: 2022-08-08. Review status: criteria provided, single submitter. Criteria: Invitae Variant Classification Sherloc (09022015). Collection method: clinical testing. Allele origin: germline.
Comment: In summary, the available evidence is currently insufficient to determine the role of this variant in disease. Therefore, it has been classified as a Variant of Uncertain Significance. Algorithms developed to predict the effect of missense changes on protein structure and function (SIFT, PolyPhen-2, Align-GVGD) all suggest that this variant is likely to be tolerated. ClinVar contains an entry for this variant (Variation ID: 479560). This variant has not been reported in the literature in individuals affected with CHEK2-related conditions. This variant is not present in population databases (gnomAD no frequency). This sequence change replaces threonine, which is neutral and polar, with proline, which is neutral and non-polar, at codon 225 of the CHEK2 protein (p.Thr225Pro).